The following is an entry in ClinVar:

NM_022489.4(INF2):c.1231C>A (p.Pro411Thr)

Gene: INF2 (inverted formin 2; plus strand). Cytogenetic location: 14q32.33.
Variant type: single nucleotide variant.
Coding change: c.1231C>A on transcript NM_022489.4 (MANE Select); coding-DNA position 1231, C replaced by A.
Protein change: p.Pro411Thr; replaces proline 411 with threonine.
Molecular consequence: missense variant. On other transcripts: non-coding transcript variant (1).
Genome position (GRCh38, 1-based): chr14:104,707,498, C>A. VCF-style: chr14-104707498-C-A. GRCh37 (hg19) VCF-style: chr14-105173835-C-A.
Other names: c.1231C>A, p.Pro411Thr (NM_001031714.4, NM_001426862.1, NM_001426863.1 and 2 more transcripts); short protein forms P411T.
Identifiers: ClinVar variation 4789554 (VCV004789554.1).
Genomic context (GRCh38, chr14:104,707,498, plus strand): 5'-GCTGCTGCCTGCGAGCCCGTGGACCACGCCCAGAGTGAGAGCATCCTGAAAGTTTCGCAG[C>A]CCAGAGCCCTGGAGCAGCAGGCGTCCACCCCACCCCCACCCCCACCCCCACCCCTGCTCC-3'
Protein context (NP_071934.3, residues 401-421): QSESILKVSQ[Pro411Thr]RALEQQASTP

ClinVar aggregate classification (germline): Uncertain significance (1 of 4 stars; one submission).

Conditions:
Focal segmental glomerulosclerosis 5 (FSGS5). Identifiers: Orphanet 656, MedGen C2750475, MONDO:0013191, OMIM 613237.
Charcot-Marie-Tooth disease dominant intermediate E. Also called: CHARCOT-MARIE-TOOTH NEUROPATHY WITH FOCAL SEGMENTAL GLOMERULONEPHRITIS. Identifiers: Orphanet 93114, MedGen C4302667, MONDO:0013758, OMIM 614455.

Submission:

Labcorp Genetics (formerly Invitae), Labcorp
Classification: Uncertain significance for Charcot-Marie-Tooth disease dominant intermediate E; Focal segmental glomerulosclerosis 5. Last evaluated: 2025-08-13. Review status: criteria provided, single submitter. Criteria: Invitae Variant Classification Sherloc (09022015). Collection method: clinical testing. Allele origin: germline.
Comment: This sequence change replaces proline, which is neutral and non-polar, with threonine, which is neutral and polar, at codon 411 of the INF2 protein (p.Pro411Thr). This variant is not present in population databases (gnomAD no frequency). This variant has not been reported in the literature in individuals affected with INF2-related conditions. Invitae Evidence Modeling of protein sequence and biophysical properties (such as structural, functional, and spatial information, amino acid conservation, physicochemical variation, residue mobility, and thermodynamic stability) indicates that this missense variant is not expected to disrupt INF2 protein function with a negative predictive value of 95%. In summary, the available evidence is currently insufficient to determine the role of this variant in disease. Therefore, it has been classified as a Variant of Uncertain Significance.